The following is an entry in ClinVar:

NM_021957.4(GYS2):c.1157G>A (p.Arg386Gln)

Gene: GYS2 (glycogen synthase 2; minus strand). Cytogenetic location: 12p12.1.
Variant type: single nucleotide variant.
Coding change: c.1157G>A on transcript NM_021957.4 (MANE Select); coding-DNA position 1157, G replaced by A.
Protein change: p.Arg386Gln; replaces arginine 386 with glutamine.
Molecular consequence: missense variant.
Genome position (GRCh38, 1-based): chr12:21,560,398, C>T on the plus strand (G>A on the coding strand, the complement: GYS2 is on the minus strand). VCF-style: chr12-21560398-C-T. GRCh37 (hg19) VCF-style: chr12-21713332-C-T.
Other names: short protein forms R386Q.
Identifiers: ClinVar variation 1219642 (VCV001219642.5), dbSNP rs751135925, ClinGen allele CA6479978.

ClinVar aggregate classification (germline): Uncertain significance. Review status: criteria provided, multiple submitters, no conflicts (2 of 4 stars). 3 submissions from 3 submitters: Uncertain significance (3). Last evaluated 2024-09-24.

Allele frequency attached by ClinVar (database versions not stated): gnomAD 0.00001; TOPMed 0.00001.
gnomAD v4.1: 47 of 1,588,706 alleles (0.003%); highest among the groups gnomAD compares: East Asian, 0.016%; no homozygotes.

Submissions (3):

Blueprint Genetics
Classification: Uncertain significance. Last evaluated: 2024-09-24. Review status: criteria provided, single submitter. Criteria: ACMG Guidelines, 2015. Collection method: clinical testing. Allele origin: germline.

GeneDx
Classification: Uncertain significance. Last evaluated: 2020-05-08. Review status: criteria provided, single submitter. Criteria: GeneDx Variant Classification Process June 2021. Collection method: clinical testing. Allele origin: germline. Affected: yes.
Comment: In silico analysis supports that this missense variant does not alter protein structure/function; Has not been previously published as pathogenic or benign to our knowledge

Breakthrough Genomics
Classification: Uncertain significance. Review status: criteria provided, single submitter. Criteria: ACMG Guidelines, 2015. Collection method: not provided. Allele origin: germline. Inheritance: Autosomal recessive inheritance. Affected: yes.